The following is an entry in ClinVar:

NM_001379500.1(COL18A1):c.3294C>T (p.His1098=)

Genes: COL18A1 (collagen type XVIII alpha 1 chain; plus strand), SLC19A1 (solute carrier family 19 member 1; minus strand). Cytogenetic location: 21q22.3.
Variant type: single nucleotide variant.
Coding change: c.3294C>T on transcript NM_001379500.1 (MANE Select); coding-DNA position 3294, C replaced by T.
Protein change: p.His1098=; no amino-acid change (histidine 1098 retained).
Molecular consequence: synonymous variant.
Genome position (GRCh38, 1-based): chr21:45,509,400, C>T. VCF-style: chr21-45509400-C-T. GRCh37 (hg19) VCF-style: chr21-46929314-C-T.
Other names: c.3825C>T, p.His1275= (NM_030582.4); c.4530C>T, p.His1510= (NM_130444.3).
Identifiers: ClinVar variation 1093736 (VCV001093736.16), dbSNP rs770031049, ClinGen allele CA10067843.

ClinVar aggregate classification (germline): Likely benign. Review status: criteria provided, multiple submitters, no conflicts (2 of 4 stars). 3 submissions from 3 submitters: Likely benign (3). Last evaluated 2026-06-01.

Allele frequency attached by ClinVar (database versions not stated): ExAC 0.00008; gnomAD 0.00009 and 0.00011; TOPMed 0.00016.
gnomAD v4.1: 114 of 1,542,764 alleles (0.0074%); highest among the groups gnomAD compares: Admixed American, 0.081%; no homozygotes.

Submissions (3):

CeGaT Center for Human Genetics Tuebingen
Classification: Likely benign. Last evaluated: 2026-06-01. Review status: criteria provided, single submitter. Criteria: CeGaT Center For Human Genetics Tuebingen Variant Classification Criteria Version 2. Collection method: clinical testing. Allele origin: germline. Affected: yes. Observed: 1 variant allele.
Comment: COL18A1: BP4, BP7

Labcorp Genetics (formerly Invitae), Labcorp
Classification: Likely benign. Last evaluated: 2026-01-23. Review status: criteria provided, single submitter. Criteria: Invitae Variant Classification Sherloc (09022015). Collection method: clinical testing. Allele origin: germline.

Blueprint Genetics
Classification: Likely benign. Last evaluated: 2023-10-11. Review status: criteria provided, single submitter. Criteria: ACMG Guidelines, 2015. Collection method: clinical testing. Allele origin: germline.